The following is an entry in ClinVar:

ClinVar aggregate classification (germline): Benign/Likely benign. Review status: criteria provided, multiple submitters, no conflicts (2 of 4 stars). 10 submissions from 10 submitters: Benign (5); Likely benign (2). 3 of the submissions do not count toward it. Last evaluated 2026-08-01.

Conditions:
Frontotemporal dementia and/or amyotrophic lateral sclerosis 7 (FTDALS7). Also called: CHMP2B-related frontotemporal dementia; AMYOTROPHIC LATERAL SCLEROSIS, CHMP2B-RELATED; Amyotrophic lateral sclerosis 17; CHMP2B-Related Frontotemporal Dementia-Amyotrophic Lateral Sclerosis. Identifiers: Orphanet 275864, Orphanet 282, Orphanet 803, MedGen C1833296, MONDO:0010936, OMIM 600795.

Allele frequency attached by ClinVar (database versions not stated): 1000 Genomes Project 0.00200; 1000 Genomes Project 30x 0.00250; TOPMed 0.00272; gnomAD exomes 0.00273 and 0.00502; ExAC 0.00280; gnomAD 0.00293 and 0.00300; ESP Exome Variant Server 0.00469.
gnomAD v4.1: 7,706 of 1,614,138 alleles (0.48%); highest among the groups gnomAD compares: Non-Finnish European, 0.61%; 28 homozygotes.

Submissions (10):

CeGaT Center for Human Genetics Tuebingen
Classification: Likely benign. Last evaluated: 2026-08-01. Review status: criteria provided, single submitter. Criteria: CeGaT Center For Human Genetics Tuebingen Variant Classification Criteria Version 2. Collection method: clinical testing. Allele origin: germline. Affected: yes. Observed: 21 variant alleles.
Comment: CHMP2B: BP4, BS2

Labcorp Genetics (formerly Invitae), Labcorp
Classification: Benign for Frontotemporal dementia and/or amyotrophic lateral sclerosis 7. Last evaluated: 2026-01-25. Review status: criteria provided, single submitter. Criteria: Invitae Variant Classification Sherloc (09022015). Collection method: clinical testing. Allele origin: germline.

Blueprint Genetics
Classification: Likely benign. Last evaluated: 2024-11-25. Review status: criteria provided, single submitter. Criteria: ACMG Guidelines, 2015. Collection method: clinical testing. Allele origin: germline.

Athena Diagnostics
Classification: Benign. Last evaluated: 2021-03-19. Review status: criteria provided, single submitter. Criteria: Athena Diagnostics criteria. Collection method: clinical testing. Allele origin: unknown.

Mayo Clinic Laboratories, Mayo Clinic
Classification: Benign. Last evaluated: 2018-02-07. Review status: criteria provided, single submitter. Criteria: ACMG Guidelines, 2015. Collection method: clinical testing. Allele origin: germline. Observed: 11 variant alleles.

Illumina Laboratory Services, Illumina
Classification: Benign for Frontotemporal dementia and/or amyotrophic lateral sclerosis 7. Last evaluated: 2018-01-13. Review status: criteria provided, single submitter. Criteria: ICSL Variant Classification Criteria 13 December 2019. Collection method: clinical testing. Allele origin: germline.
Comment: This variant was observed in the ICSL laboratory as part of a predisposition screen in an ostensibly healthy population. It had not been previously curated by ICSL or reported in the Human Gene Mutation Database (HGMD: prior to June 1st, 2018), and was therefore a candidate for classification through an automated scoring system. Utilizing variant allele frequency, disease prevalence and penetrance estimates, and inheritance mode, an automated score was calculated to assess if this variant is too frequent to cause the disease. Based on the score and internal cut-off values, a variant classified as benign is not then subjected to further curation. The score for this variant resulted in a classification of benign for this disease.

Breakthrough Genomics
Classification: Benign. Review status: criteria provided, single submitter. Criteria: ACMG Guidelines, 2015. Collection method: not provided. Allele origin: germline. Inheritance: Autosomal dominant inheritance. Affected: yes.

Clinical Genetics DNA and cytogenetics Diagnostics Lab, Erasmus MC, Erasmus Medical Center
Classification: Likely benign. Review status: no assertion criteria provided. Collection method: clinical testing. Allele origin: germline. Affected: yes. Study: VKGL Data-share Consensus. Not counted in ClinVar's aggregate classification.

Genome Diagnostics Laboratory, Amsterdam University Medical Center
Classification: Likely benign. Review status: no assertion criteria provided. Collection method: clinical testing. Allele origin: germline. Affected: yes. Study: VKGL Data-share Consensus. Not counted in ClinVar's aggregate classification.

Genome Diagnostics Laboratory, University Medical Center Utrecht
Classification: Likely benign. Review status: no assertion criteria provided. Collection method: clinical testing. Allele origin: germline. Affected: yes. Study: VKGL Data-share Consensus. Not counted in ClinVar's aggregate classification.

NM_014043.4(CHMP2B):c.34+8C>T

Gene: CHMP2B (charged multivesicular body protein 2B; plus strand). Cytogenetic location: 3p11.2.
Variant type: single nucleotide variant.
Coding change: c.34+8C>T on transcript NM_014043.4 (MANE Select); 8 bases into the intron after coding-DNA position 34, C replaced by T.
Molecular consequence: intron variant.
Genome position (GRCh38, 1-based): chr3:87,227,564, C>T. VCF-style: chr3-87227564-C-T. GRCh37 (hg19) VCF-style: chr3-87276714-C-T.
Other names: p.?; c.3+8C>T (NM_001244644.2).
Identifiers: ClinVar variation 346804 (VCV000346804.51), dbSNP rs35413339, ClinGen allele CA2500852.
Genomic context (GRCh38, chr3:87,227,564, plus strand): 5'-CCGGGCGCAGTCTTTAACCATGGCGTCCCTCTTCAAGAAGAAAACCGTGGATGGTGAGTT[C>T]CAGGCCGGGCTGAAGGGGCCCAGCTCTGCGTTTTCTCGGCGTCTTTCGAGGCCTGCTGGC-3'